The following is an entry in ClinVar:

NM_001330078.2(NRXN1):c.296A>C (p.Glu99Ala)

Gene: NRXN1 (neurexin 1; minus strand). Cytogenetic location: 2p16.3.
Variant type: single nucleotide variant.
Coding change: c.296A>C on transcript NM_001330078.2 (MANE Select); coding-DNA position 296, A replaced by C.
Protein change: p.Glu99Ala; replaces glutamic acid 99 with alanine.
Molecular consequence: missense variant.
Genome position (GRCh38, 1-based): chr2:51,027,978, T>G on the plus strand (A>C on the coding strand, the complement: NRXN1 is on the minus strand). VCF-style: chr2-51027978-T-G. GRCh37 (hg19) VCF-style: chr2-51255116-T-G.
Other names: c.296A>C, p.Glu99Ala (NM_001330090.2, NM_001330093.2, NM_001330094.2 and 15 more transcripts); short protein forms E99A.
Identifiers: ClinVar variation 1057573 (VCV001057573.9), dbSNP rs755098842, ClinGen allele CA1655528.

ClinVar aggregate classification (germline): Uncertain significance (1 of 4 stars; one submission).

Conditions:
Pitt-Hopkins-like syndrome 2 (PTHSL2). Identifiers: Orphanet 221150, Orphanet 600663, MedGen C3280479, MONDO:0013690, OMIM 614325.

Allele frequency attached by ClinVar (database versions not stated): gnomAD exomes below 0.00001 and 0.00001; TOPMed below 0.00001; ExAC 0.00001; gnomAD 0.00001.
gnomAD v4.1: 7 of 1,601,650 alleles (0.00044%); highest among the groups gnomAD compares: Non-Finnish European, 0.00059%; no homozygotes.

Submission:

Labcorp Genetics (formerly Invitae), Labcorp
Classification: Uncertain significance for Pitt-Hopkins-like syndrome 2. Last evaluated: 2020-02-17. Review status: criteria provided, single submitter. Criteria: Invitae Variant Classification Sherloc (09022015). Collection method: clinical testing. Allele origin: germline.
Comment: In summary, the available evidence is currently insufficient to determine the role of this variant in disease. Therefore, it has been classified as a Variant of Uncertain Significance. Algorithms developed to predict the effect of missense changes on protein structure and function (SIFT, PolyPhen-2, Align-GVGD) all suggest that this variant is likely to be tolerated, but these predictions have not been confirmed by published functional studies and their clinical significance is uncertain. This variant has not been reported in the literature in individuals with NRXN1-related conditions. This variant is present in population databases (rs755098842, ExAC 0.002%). This sequence change replaces glutamic acid with alanine at codon 99 of the NRXN1 protein (p.Glu99Ala). The glutamic acid residue is highly conserved and there is a moderate physicochemical difference between glutamic acid and alanine.